The following is an entry in ClinVar:

ClinVar aggregate classification (germline): Uncertain significance (1 of 4 stars; one submission).

Conditions:
Neuropathy, hereditary sensory and autonomic, type 1C. Also called: HSAN IC; HSN IC. Identifiers: Orphanet 36386, MedGen C3150896, MONDO:0013337, OMIM 613640.

Submission:

Labcorp Genetics (formerly Invitae), Labcorp
Classification: Uncertain significance for Neuropathy, hereditary sensory and autonomic, type 1C. Last evaluated: 2022-03-22. Review status: criteria provided, single submitter. Criteria: Invitae Variant Classification Sherloc (09022015). Collection method: clinical testing. Allele origin: germline.
Comment: This variant has not been reported in the literature in individuals affected with SPTLC2-related conditions. A gross deletion of the genomic region encompassing the full coding sequence of the SPTLC2 gene has been identified. The current clinical and genetic evidence is not sufficient to establish whether loss-of-function variants in SPTLC2 cause disease. The boundaries of this event are unknown as they extend beyond the assayed region for this gene and therefore may encompass additional genes. In summary, the available evidence is currently insufficient to determine the role of this variant in disease. Therefore, it has been classified as a Variant of Uncertain Significance.

NC_000014.8:g.(?_77743719)_(78082922_?)del

Genes: ISM2 (isthmin 2; minus strand), TMED8 (transmembrane p24 trafficking protein family member 8; minus strand), VIPAS39 (VPS33B interacting protein, apical-basolateral polarity regulator, spe-39 homolog; minus strand), GSTZ1 (glutathione S-transferase zeta 1; plus strand), NOXRED1 (NADP dependent oxidoreductase domain containing 1; minus strand) and 4 more. Cytogenetic location: 14q24.3.
Variant type: Deletion.
Identifiers: ClinVar variation 1446699 (VCV001446699.5).